The following is an entry in ClinVar:

ClinVar aggregate classification (germline): Uncertain significance. Review status: criteria provided, multiple submitters, no conflicts (2 of 4 stars). 2 submissions from 2 submitters: Uncertain significance (2). Last evaluated 2024-10-29.

Conditions:
Hereditary cancer-predisposing syndrome. Also called: Hereditary neoplastic syndrome; Neoplastic Syndromes, Hereditary; Tumor predisposition; Hereditary Cancer Syndrome. Identifiers: Orphanet 140162, MedGen C0027672, MeSH D009386, MONDO:0015356.
Fanconi anemia complementation group O. Also called: RAD51C-Related Fanconi Anemia. Identifiers: Orphanet 84, MedGen C3150653, MONDO:0013248, OMIM 613390.

Allele frequency attached by ClinVar (database versions not stated): gnomAD below 0.00001 and 0.00001.
gnomAD v4.1: 11 of 1,614,124 alleles (0.00068%); highest among the groups gnomAD compares: South Asian, 0.0022%; no homozygotes.

Submissions (2):

Ambry Genetics
Classification: Uncertain significance for Hereditary cancer-predisposing syndrome. Last evaluated: 2024-10-29. Review status: criteria provided, single submitter. Criteria: Ambry Variant Classification Scheme 2023. Collection method: clinical testing. Allele origin: germline.
Comment: The p.V28M variant (also known as c.82G>A), located in coding exon 1 of the RAD51C gene, results from a G to A substitution at nucleotide position 82. The valine at codon 28 is replaced by methionine, an amino acid with highly similar properties. This amino acid position is not well conserved in available vertebrate species. In addition, this alteration is predicted to be tolerated by in silico analysis. Since supporting evidence is limited at this time, the clinical significance of this alteration remains unclear.

Labcorp Genetics (formerly Invitae), Labcorp
Classification: Uncertain significance for Fanconi anemia complementation group O. Last evaluated: 2023-03-21. Review status: criteria provided, single submitter. Criteria: Invitae Variant Classification Sherloc (09022015). Collection method: clinical testing. Allele origin: germline.
Comment: This sequence change replaces valine, which is neutral and non-polar, with methionine, which is neutral and non-polar, at codon 28 of the RAD51C protein (p.Val28Met). This variant is not present in population databases (gnomAD no frequency). This variant has not been reported in the literature in individuals affected with RAD51C-related conditions. ClinVar contains an entry for this variant (Variation ID: 409840). Advanced modeling of protein sequence and biophysical properties (such as structural, functional, and spatial information, amino acid conservation, physicochemical variation, residue mobility, and thermodynamic stability) performed at Invitae indicates that this missense variant is not expected to disrupt RAD51C protein function. In summary, the available evidence is currently insufficient to determine the role of this variant in disease. Therefore, it has been classified as a Variant of Uncertain Significance.

NM_058216.3(RAD51C):c.82G>A (p.Val28Met)

Gene: RAD51C (RAD51 paralog C; plus strand). Cytogenetic location: 17q22.
Variant type: single nucleotide variant.
Coding change: c.82G>A on transcript NM_058216.3 (MANE Select); coding-DNA position 82, G replaced by A.
Protein change: p.Val28Met; replaces valine 28 with methionine.
Molecular consequence: missense variant. On other transcripts: non-coding transcript variant (1).
Genome position (GRCh38, 1-based): chr17:58,692,725, G>A. VCF-style: chr17-58692725-G-A. GRCh37 (hg19) VCF-style: chr17-56770086-G-A.
Other names: c.82G>A, p.Val28Met (NM_002876.4); short protein forms V28M.
Identifiers: ClinVar variation 409840 (VCV000409840.12), dbSNP rs1060502587, ClinGen allele CA16615733.
Genomic context (GRCh38, chr17:58,692,725, plus strand): 5'-TTTGAAATGCAGCGGGATTTGGTGAGTTTCCCGCTGTCTCCAGCGGTGCGGGTGAAGCTG[G>A]TGTCTGCGGGGTTCCAGACTGCTGAGGAACTCCTAGAGGTGAAACCCTCCGAGCTTAGCA-3'
Protein context (NP_478123.1, residues 18-38): PLSPAVRVKL[Val28Met]SAGFQTAEEL